The following is an entry in ClinVar:

NM_014283.5(SUCO):c.161T>G (p.Val54Gly)

Gene: SUCO (SUN domain containing ossification factor; plus strand). Cytogenetic location: 1q24.3.
Variant type: single nucleotide variant.
Coding change: c.161T>G on transcript NM_014283.5 (MANE Select); coding-DNA position 161, T replaced by G.
Protein change: p.Val54Gly; replaces valine 54 with glycine.
Molecular consequence: missense variant. On other transcripts: 5 prime UTR variant (1).
Genome position (GRCh38, 1-based): chr1:172,551,610, T>G. VCF-style: chr1-172551610-T-G. GRCh37 (hg19) VCF-style: chr1-172520750-T-G.
Other names: c.161T>G, p.Val54Gly (NM_001282750.2); c.-1369T>G (NM_001282751.2); c.746T>G, p.Val249Gly (NM_016227.4); short protein forms V249G, V54G.
Identifiers: ClinVar variation 2106487 (VCV002106487.4), dbSNP rs2527251890, ClinGen allele CA343735930.

ClinVar aggregate classification (germline): Uncertain significance (1 of 4 stars; one submission).

Submission:

Labcorp Genetics (formerly Invitae), Labcorp
Classification: Uncertain significance. Last evaluated: 2022-03-28. Review status: criteria provided, single submitter. Criteria: Invitae Variant Classification Sherloc (09022015). Collection method: clinical testing. Allele origin: germline.
Comment: In summary, the available evidence is currently insufficient to determine the role of this variant in disease. Therefore, it has been classified as a Variant of Uncertain Significance. Algorithms developed to predict the effect of missense changes on protein structure and function are either unavailable or do not agree on the potential impact of this missense change (SIFT: "Deleterious"; PolyPhen-2: "Benign"; Align-GVGD: "Class C0"). This variant has not been reported in the literature in individuals affected with SUCO-related conditions. This variant is not present in population databases (gnomAD no frequency). This sequence change replaces valine, which is neutral and non-polar, with glycine, which is neutral and non-polar, at codon 54 of the SUCO protein (p.Val54Gly).